The following is an entry in ClinVar:

NM_001271.4(CHD2):c.3829G>A (p.Gly1277Ser)

Gene: CHD2 (chromodomain helicase DNA binding protein 2; plus strand). Cytogenetic location: 15q26.1.
Variant type: single nucleotide variant.
Coding change: c.3829G>A on transcript NM_001271.4 (MANE Select); coding-DNA position 3829, G replaced by A.
Protein change: p.Gly1277Ser; replaces glycine 1277 with serine.
Molecular consequence: missense variant.
Genome position (GRCh38, 1-based): chr15:92,997,347, G>A. VCF-style: chr15-92997347-G-A. GRCh37 (hg19) VCF-style: chr15-93540577-G-A.
Other names: short protein forms G1277S.
Identifiers: ClinVar variation 807317 (VCV000807317.49), dbSNP rs1596447174, ClinGen allele CA393898601.
Genomic context (GRCh38, chr15:92,997,347, plus strand): 5'-TTTGATGTAGAGTGGGGGGTGGAAGATGATTCTCGCCTGTTGCTGGGGATTTATGAACAT[G>A]GCTATGGAAACTGGGAGTTAATTAAAACAGACCCAGAGCTTAAATTAACTGACAAAGTAA-3'
Protein context (NP_001262.3, residues 1267-1287): SRLLLGIYEH[Gly1277Ser]YGNWELIKTD

ClinVar aggregate classification (germline): Uncertain significance. Review status: criteria provided, multiple submitters, no conflicts (2 of 4 stars). 2 submissions from 2 submitters: Uncertain significance (2). Last evaluated 2020-06-22.

Conditions:
Developmental and epileptic encephalopathy 94 (DEE94). Also called: Epileptic encephalopathy, childhood-onset; CHD2-Related Neurodevelopmental Disorders. Identifiers: Orphanet 1942, Orphanet 2382, MedGen C3809278, MONDO:0014150, OMIM 615369.

Allele frequency attached by ClinVar (database versions not stated): gnomAD exomes below 0.00001.
gnomAD v4.1: 1 of 1,612,452 alleles (0.000062%); no homozygotes.

Submissions (2):

Labcorp Genetics (formerly Invitae), Labcorp
Classification: Uncertain significance for Developmental and epileptic encephalopathy 94. Last evaluated: 2020-06-22. Review status: criteria provided, single submitter. Criteria: Invitae Variant Classification Sherloc (09022015). Collection method: clinical testing. Allele origin: germline.
Comment: This variant has not been reported in the literature in individuals with CHD2-related conditions. ClinVar contains an entry for this variant (Variation ID: 807317). This variant is not present in population databases (ExAC no frequency). This sequence change replaces glycine with serine at codon 1277 of the CHD2 protein (p.Gly1277Ser). The glycine residue is highly conserved and there is a small physicochemical difference between glycine and serine. Algorithms developed to predict the effect of missense changes on protein structure and function (SIFT, PolyPhen-2, Align-GVGD) all suggest that this variant is likely to be disruptive, but these predictions have not been confirmed by published functional studies and their clinical significance is uncertain. In summary, the available evidence is currently insufficient to determine the role of this variant in disease. Therefore, it has been classified as a Variant of Uncertain Significance. Algorithms developed to predict the effect of sequence changes on RNA splicing suggest that this variant may create or strengthen a splice site, but this prediction has not been confirmed by published transcriptional studies.

CeGaT Center for Human Genetics Tuebingen
Classification: Uncertain significance. Last evaluated: 2016-06-01. Review status: criteria provided, single submitter. Criteria: CeGaT Center For Human Genetics Tuebingen Variant Classification Criteria Version 2. Collection method: clinical testing. Allele origin: germline. Affected: yes. Observed: 1 variant allele.